The following is an entry in ClinVar:

NM_003738.5(PTCH2):c.3430G>A (p.Gly1144Arg)

Gene: PTCH2 (patched 2; minus strand). Cytogenetic location: 1p34.1.
Variant type: single nucleotide variant.
Coding change: c.3430G>A on transcript NM_003738.5 (MANE Select); coding-DNA position 3430, G replaced by A.
Protein change: p.Gly1144Arg; replaces glycine 1144 with arginine.
Molecular consequence: missense variant. On other transcripts: intron variant (1).
Genome position (GRCh38, 1-based): chr1:44,822,597, C>T on the plus strand (G>A on the coding strand, the complement: PTCH2 is on the minus strand). VCF-style: chr1-44822597-C-T. GRCh37 (hg19) VCF-style: chr1-45288269-C-T.
Other names: c.3425+5G>A (NM_001166292.2); short protein forms G1144R.
Identifiers: ClinVar variation 2577903 (VCV002577903.1), dbSNP rs768648279, ClinGen allele CA822687.
Genomic context (GRCh38, chr1:44,822,597, plus strand): 5'-TGGCCACGGTCATGGAGGTAGTCACTCTGGCAAAGCTCTGGGGCAGGGAGGAGGATGCCC[C>T]CCACCTAAGCCCGCCTCCCTGTGGAGCTGGTGGACTCAGGATCTCTGGGCTTTCCTTGTA-3'
Protein context (NP_003729.3, residues 1134-1154): PAPQGGGLRW[Gly1144Arg]ASSSLPQSFA

ClinVar aggregate classification (germline): Uncertain significance (1 of 4 stars; one submission).

Conditions:
Gorlin syndrome. Also called: Nevoid Basal Cell Carcinoma Syndrome; Basal cell nevus syndrome. Identifiers: Orphanet 377, MedGen C0004779, MONDO:0007187.

Allele frequency attached by ClinVar (database versions not stated): ExAC 0.00001; gnomAD 0.00001; TOPMed 0.00001.

Submission:

St. Jude Molecular Pathology, St. Jude Children's Research Hospital
Classification: Uncertain significance for Basal cell nevus syndrome 1. Last evaluated: 2023-07-11. Review status: criteria provided, single submitter. Criteria: St. Jude Assertion Criteria 2020. Collection method: clinical testing. Allele origin: germline.
Comment: The PTCH2 c.3430G>A (p.Gly1144Arg) missense change has a maximum subpopulation frequency of 0.006% in gnomAD v2.1.1. The in silico tool REVEL predicts a benign effect on protein function, but to our knowledge this prediction has not been confirmed by functional studies. To our knowledge, this variant has not been reported in individuals with nevoid basal cell carcinoma syndrome. In summary, the evidence currently available is insufficient to determine the clinical significance of this variant. It has therefore been classified as of uncertain significance.